The following is an entry in ClinVar:

NC_000004.11:g.(?_157999177)_(158091880_?)dup

Gene: GLRB (glycine receptor beta; plus strand). Cytogenetic location: 4q32.1.
Variant type: Duplication.
Identifiers: ClinVar variation 2423407 (VCV002423407.3).

ClinVar aggregate classification (germline): Uncertain significance (1 of 4 stars; one submission).

Conditions:
Hyperekplexia 2 (HKPX2). Identifiers: Orphanet 3197, MedGen C3553291, MONDO:0013828, OMIM 614619.

Submission:

Labcorp Genetics (formerly Invitae), Labcorp
Classification: Uncertain significance for Hyperekplexia 2. Last evaluated: 2022-03-23. Review status: criteria provided, single submitter. Criteria: Invitae Variant Classification Sherloc (09022015). Collection method: clinical testing. Allele origin: germline.
Comment: A copy number gain of the genomic region encompassing the full coding sequence of the GLRB gene has been identified. The boundaries of this event are unknown as they extend beyond the assayed region for this gene and therefore may encompass additional genes. As the precise location of this event is unknown, it may be in tandem or it may be located elsewhere in the genome. This variant has not been reported in the literature in individuals affected with GLRB-related conditions. In summary, the available evidence is currently insufficient to determine the role of this variant in disease. Therefore, it has been classified as a Variant of Uncertain Significance.